The following is an entry in ClinVar:

ClinVar aggregate classification (germline): Pathogenic (1 of 4 stars; one submission).

Allele frequency attached by ClinVar (database versions not stated): gnomAD exomes below 0.00001; TOPMed below 0.00001.
gnomAD v4.1: 2 of 1,614,198 alleles (0.00012%); highest among the groups gnomAD compares: Non-Finnish European, 0.00017%; no homozygotes.

Submission:

Labcorp Genetics (formerly Invitae), Labcorp
Classification: Pathogenic. Last evaluated: 2022-08-20. Review status: criteria provided, single submitter. Criteria: Invitae Variant Classification Sherloc (09022015). Collection method: clinical testing. Allele origin: germline.
Comment: This sequence change creates a premature translational stop signal (p.Trp66*) in the C2CD3 gene. It is expected to result in an absent or disrupted protein product. Loss-of-function variants in C2CD3 are known to be pathogenic (PMID: 24997988, 26477546). This variant is not present in population databases (gnomAD no frequency). For these reasons, this variant has been classified as Pathogenic. This variant has not been reported in the literature in individuals affected with C2CD3-related conditions.

Literature cited by the submitters: PubMed 24997988; PubMed 26477546.

NM_001286577.2(C2CD3):c.197G>A (p.Trp66Ter)

Gene: C2CD3 (C2 domain containing 3 centriole elongation regulator; minus strand). Cytogenetic location: 11q13.4.
Variant type: single nucleotide variant.
Coding change: c.197G>A on transcript NM_001286577.2 (MANE Select); coding-DNA position 197, G replaced by A.
Protein change: p.Trp66Ter; replaces tryptophan 66 with a stop codon.
Molecular consequence: nonsense.
Genome position (GRCh38, 1-based): chr11:74,168,472, C>T on the plus strand (G>A on the coding strand, the complement: C2CD3 is on the minus strand). VCF-style: chr11-74168472-C-T. GRCh37 (hg19) VCF-style: chr11-73879517-C-T.
Other names: c.197G>A, p.Trp66Ter (NM_015531.6); short protein forms W66*.
Identifiers: ClinVar variation 1999885 (VCV001999885.4), dbSNP rs1181985736, ClinGen allele CA381825843.